The following is an entry in ClinVar:

ClinVar aggregate classification (germline): Likely benign (1 of 4 stars; one submission).

gnomAD v4.1: 1 of 1,532,308 alleles (0.000065%); highest among the groups gnomAD compares: Non-Finnish European, 0.000088%; no homozygotes.

Submission:

GeneDx
Classification: Likely benign. Last evaluated: 2018-02-09. Review status: criteria provided, single submitter. Criteria: GeneDx Variant Classification (06012015). Collection method: clinical testing. Allele origin: germline. Affected: yes.
Comment: This variant is considered likely benign or benign based on one or more of the following criteria: it is a conservative change, it occurs at a poorly conserved position in the protein, it is predicted to be benign by multiple in silico algorithms, and/or has population frequency not consistent with disease.

NM_001127222.2(CACNA1A):c.3510C>A (p.Ile1170=)

Gene: CACNA1A (calcium voltage-gated channel subunit alpha1 A; minus strand). Cytogenetic location: 19p13.13.
Variant type: single nucleotide variant.
Coding change: c.3510C>A on transcript NM_001127222.2 (MANE Select); coding-DNA position 3510, C replaced by A.
Protein change: p.Ile1170=; no amino-acid change (isoleucine 1170 retained).
Molecular consequence: synonymous variant.
Genome position (GRCh38, 1-based): chr19:13,286,546, G>T on the plus strand (C>A on the coding strand, the complement: CACNA1A is on the minus strand). VCF-style: chr19-13286546-G-T. GRCh37 (hg19) VCF-style: chr19-13397360-G-T.
Other names: c.3522C>A, p.Ile1174= (NM_000068.4, NM_023035.3); c.3513C>A, p.Ile1171= (NM_001127221.2, NM_001174080.2).
Identifiers: ClinVar variation 515522 (VCV000515522.1), dbSNP rs1431054685, ClinGen allele CA505660651.